The following is an entry in ClinVar:

ClinVar aggregate classification (germline): Uncertain significance (1 of 4 stars; one submission).

Conditions:
Hypertrophic cardiomyopathy 25 (CMH25). Also called: CARDIOMYOPATHY, FAMILIAL HYPERTROPHIC, 25. Identifiers: MedGen C4225408, MONDO:0011843, OMIM 607487.
Primary familial hypertrophic cardiomyopathy (HCM). Identifiers: Orphanet 99739, MedGen C0949658, MeSH D024741, MONDO:0024573. Inheritance: Various modes of inheritance.

Submission:

Labcorp Genetics (formerly Invitae), Labcorp
Classification: Uncertain significance for Hypertrophic cardiomyopathy 25; Primary familial hypertrophic cardiomyopathy. Last evaluated: 2023-12-06. Review status: criteria provided, single submitter. Criteria: Invitae Variant Classification Sherloc (09022015). Collection method: clinical testing. Allele origin: germline.
Comment: This sequence change replaces aspartic acid, which is acidic and polar, with asparagine, which is neutral and polar, at codon 44 of the TCAP protein (p.Asp44Asn). This variant is not present in population databases (gnomAD no frequency). This variant has not been reported in the literature in individuals affected with TCAP-related conditions. ClinVar contains an entry for this variant (Variation ID: 2011788). An algorithm developed to predict the effect of missense changes on protein structure and function (PolyPhen-2) suggests that this variant is likely to be tolerated. In summary, the available evidence is currently insufficient to determine the role of this variant in disease. Therefore, it has been classified as a Variant of Uncertain Significance.

NM_003673.4(TCAP):c.130G>A (p.Asp44Asn)

Gene: TCAP (titin-cap; plus strand). Cytogenetic location: 17q12.
Variant type: single nucleotide variant.
Coding change: c.130G>A on transcript NM_003673.4 (MANE Select); coding-DNA position 130, G replaced by A.
Protein change: p.Asp44Asn; replaces aspartic acid 44 with asparagine.
Molecular consequence: missense variant.
Genome position (GRCh38, 1-based): chr17:39,665,735, G>A. VCF-style: chr17-39665735-G-A. GRCh37 (hg19) VCF-style: chr17-37821988-G-A.
Other names: short protein forms D44N.
Identifiers: ClinVar variation 2011788 (VCV002011788.4), dbSNP rs2543738882, ClinGen allele CA399303530.